The following is an entry in ClinVar:

ClinVar aggregate classification (germline): Uncertain significance (1 of 4 stars; one submission).

Conditions:
Auriculocondylar syndrome 2 (ARCND2A). Also called: AURICULOCONDYLAR SYNDROME 2A. Identifiers: Orphanet 137888, MedGen C3553404, MONDO:0013845, OMIM 614669.

Allele frequency attached by ClinVar (database versions not stated): gnomAD exomes below 0.00001.
gnomAD v4.1: 2 of 1,600,850 alleles (0.00012%); highest among the groups gnomAD compares: Non-Finnish European, 0.00017%; no homozygotes.

Submission:

3billion
Classification: Uncertain significance for Auriculocondylar syndrome 2. Last evaluated: 2022-05-22. Review status: criteria provided, single submitter. Criteria: ACMG Guidelines, 2015. Collection method: clinical testing. Allele origin: germline. Affected: yes. Observed: 1 homozygote.
Comment: It is absent from the gnomAD v2.1.1 dataset. In silico prediction tools and conservation analysis predicted that this variant was probably damaging to the protein structure/function (REVEL: 0.943>=0.6). Therefore, this variant is classified as uncertain significanceaccording to the recommendation of ACMG/AMP guideline.

NM_001377142.1(PLCB4):c.2050G>A (p.Gly684Arg)

Gene: PLCB4 (phospholipase C beta 4; plus strand). Cytogenetic location: 20p12.2.
Variant type: single nucleotide variant.
Coding change: c.2050G>A on transcript NM_001377142.1 (MANE Select); coding-DNA position 2050, G replaced by A.
Protein change: p.Gly684Arg; replaces glycine 684 with arginine.
Molecular consequence: missense variant.
Genome position (GRCh38, 1-based): chr20:9,411,087, G>A. VCF-style: chr20-9411087-G-A. GRCh37 (hg19) VCF-style: chr20-9391734-G-A.
Other names: c.2014G>A, p.Gly672Arg (NM_000933.4, NM_001377134.2, NM_001377135.1 and 2 more transcripts); c.2050G>A, p.Gly684Arg (NM_001172646.2, NM_001377143.1); short protein forms G672R, G684R.
Identifiers: ClinVar variation 1687451 (VCV001687451.1), dbSNP rs2039824942, ClinGen allele CA408212411.